The following is an entry in ClinVar:

NM_198428.3(BBS9):c.987del (p.Pro330fs)

Gene: BBS9 (Bardet-Biedl syndrome 9; plus strand). Cytogenetic location: 7p14.3.
Variant type: Deletion.
Coding change: c.987del on transcript NM_198428.3 (MANE Select); coding-DNA position 987, one base deleted (T; older notation c.987delT).
Protein change: p.Pro330fs; shifts the reading frame from proline 330.
Molecular consequence: frameshift variant. On other transcripts: non-coding transcript variant (3).
Genome position (GRCh38, 1-based): chr7:33,273,927, T deleted; the last of 2 consecutive T bases (chr7:33,273,926-33,273,927); deleting either gives the same sequence. VCF-style (leftmost placement, unchanged base first): chr7-33273925-AT-A. GRCh37 (hg19) VCF-style: chr7-33313537-AT-A.
Other names: c.987del, p.Pro330fs (NM_001033604.2, NM_001033605.2, NM_001348036.1 and 5 more transcripts); c.621del, p.Pro208fs (NM_001348037.3, NM_001348044.3, NM_001348045.3 and 1 more transcripts); c.714del, p.Pro239fs (NM_001348038.3, NM_001348039.3); c.852del, p.Pro285fs (NM_001348042.3); short protein forms P330fs, P208fs, P239fs, P285fs.
Identifiers: ClinVar variation 3644313 (VCV003644313.2).
Genomic context (GRCh38, chr7:33,273,925, plus strand): 5'-AATAACATGCTGCATATTTATCAAGATGTGACACTGAAGTGGGCCACCCAACTTCCCCAC[AT>A]TCCTGTAGCAGTAAGAGTGGGCTGTTTGCAGTAAGTGATTTAATTTAACACAGTTTTTAA-3'

ClinVar aggregate classification (germline): Pathogenic (1 of 4 stars; one submission).

Conditions:
Bardet-Biedl syndrome (BBS). Identifiers: Orphanet 110, MedGen C0752166, MONDO:0015229.

Submission:

Labcorp Genetics (formerly Invitae), Labcorp
Classification: Pathogenic for Bardet-Biedl syndrome. Last evaluated: 2024-03-03. Review status: criteria provided, single submitter. Criteria: Invitae Variant Classification Sherloc (09022015). Collection method: clinical testing. Allele origin: germline.
Comment: This sequence change creates a premature translational stop signal (p.Pro330Leufs*2) in the BBS9 gene. It is expected to result in an absent or disrupted protein product. Loss-of-function variants in BBS9 are known to be pathogenic (PMID: 16380913, 20177705). This variant is not present in population databases (gnomAD no frequency). This variant has not been reported in the literature in individuals affected with BBS9-related conditions. For these reasons, this variant has been classified as Pathogenic.

Literature cited by the submitters: PubMed 16380913; PubMed 20177705.